The following is an entry in ClinVar:

ClinVar aggregate classification (germline): Benign (0 of 4 stars; one submission).

Conditions:
EPHA3-related disorder. Also called: EPHA3-related condition.

Allele frequency attached by ClinVar (database versions not stated): 1000 Genomes Project 0.12959; 1000 Genomes Project 30x 0.13351; TOPMed 0.17562; ESP Exome Variant Server 0.18684; gnomAD 0.19216; ExAC 0.19978.
gnomAD v4.1: 366,342 of 1,613,026 alleles (23%); highest among the groups gnomAD compares: Non-Finnish European, 25%; 45,489 homozygotes.

Submission:

PreventionGenetics, part of Exact Sciences
Classification: Benign for EPHA3-related condition. Last evaluated: 2019-06-19. Review status: no assertion criteria provided. Collection method: clinical testing. Allele origin: germline.
Comment: This variant is classified as benign based on ACMG/AMP sequence variant interpretation guidelines (Richards et al. 2015 PMID: 25741868, with internal and published modifications).

NM_005233.6(EPHA3):c.2802T>C (p.Gly934=)

Gene: EPHA3 (EPH receptor A3; plus strand). Cytogenetic location: 3p11.1.
Variant type: single nucleotide variant.
Coding change: c.2802T>C on transcript NM_005233.6 (MANE Select); coding-DNA position 2802, T replaced by C.
Protein change: p.Gly934=; no amino-acid change (glycine 934 retained).
Molecular consequence: synonymous variant. On other transcripts: intron variant (1).
Genome position (GRCh38, 1-based): chr3:89,472,575, T>C. VCF-style: chr3-89472575-T-C. GRCh37 (hg19) VCF-style: chr3-89521725-T-C.
Other names: c.2749+53T>C (NM_001410778.1).
Identifiers: ClinVar variation 3055487 (VCV003055487.2), dbSNP rs1054750, ClinGen allele CA2502953.